The following is an entry in ClinVar:

NM_000492.4(CFTR):c.1571G>A (p.Cys524Tyr)

Genes: CFTR-AS1 (CFTR antisense RNA 1; minus strand), CFTR (CF transmembrane conductance regulator; plus strand). Cytogenetic location: 7q31.2.
Variant type: single nucleotide variant.
Coding change: c.1571G>A on transcript NM_000492.4 (MANE Select); coding-DNA position 1571, G replaced by A.
Protein change: p.Cys524Tyr; replaces cysteine 524 with tyrosine.
Molecular consequence: missense variant.
Genome position (GRCh38, 1-based): chr7:117,559,642, G>A. VCF-style: chr7-117559642-G-A. GRCh37 (hg19) VCF-style: chr7-117199696-G-A.
Other names: short protein forms C524Y.
Identifiers: ClinVar variation 495901 (VCV000495901.7), dbSNP rs1554384440, ClinGen allele CA368984990.
Genomic context (GRCh38, chr7:117,559,642, plus strand): 5'-AAAATATCATCTTTGGTGTTTCCTATGATGAATATAGATACAGAAGCGTCATCAAAGCAT[G>A]CCAACTAGAAGAGGTAAGAAACTATGTGAAAACTTTTTGATTATGCATATGAACCCTTCA-3'
Protein context (NP_000483.3, residues 514-534): EYRYRSVIKA[Cys524Tyr]QLEEDISKFA

ClinVar aggregate classification (germline): Conflicting classifications of pathogenicity. Review status: criteria provided, conflicting classifications (1 of 4 stars). 5 submissions from 5 submitters: Likely pathogenic (1); Uncertain significance (2). 2 of the submissions do not count toward it. Last evaluated 2021-09-05.

Conditions:
Cystic fibrosis (CF). Also called: MUCOVISCIDOSIS. Identifiers: Orphanet 586, MedGen C0010674, MONDO:0009061, OMIM 219700. Disease mechanism: loss of function.

Allele frequency attached by ClinVar (database versions not stated): gnomAD exomes below 0.00001.
gnomAD v4.1: 1 of 1,612,392 alleles (0.000062%); highest among the groups gnomAD compares: African/African-American, 0.0013%; no homozygotes.

Submissions (5):

Genome-Nilou Lab
Classification: Uncertain significance for Cystic fibrosis. Last evaluated: 2021-09-05. Review status: criteria provided, single submitter. Criteria: ACMG Guidelines, 2015. Collection method: clinical testing. Allele origin: germline. Affected: no.

Women's Health and Genetics/Laboratory Corporation of America, LabCorp
Classification: Uncertain significance. Last evaluated: 2017-06-12. Review status: criteria provided, single submitter. Criteria: LabCorp Variant Classification Summary - May 2015. Collection method: clinical testing. Allele origin: germline.
Comment: Variant summary: The CFTR c.1571G>A (p.Cys524Tyr) variant involves the alteration of a conserved nucleotide, is located in ABC transporter type 1, transmembrane domain (InterPro) and is predicted to be damaging by 5/5 in silico tools. This variant is absent in 120778 control chromosomes from ExAC. This variant has been reported in two pre-term twins with lethal course of meconium ileus in compound heterozygous state with a known severe mutation p.Phe508del (Puzik_2014). Parents were genotyped and each was heterozygous carrier for one of the variants. Based on the currently available information, this variant is classified as VUS-possibly pathogenic.

Ambry Genetics
Classification: Likely pathogenic for Cystic fibrosis. Last evaluated: 2016-12-29. Review status: criteria provided, single submitter. Criteria: Ambry Variant Classification Scheme 2023. Collection method: clinical testing. Allele origin: germline.
Comment: The p.C524Y variant (also known as c.1571G>A), located in coding exon 11 of the CFTR gene, results from a G to A substitution at nucleotide position 1571. The cysteine at codon 524 is replaced by tyrosine, an amino acid with highly dissimilar properties. This variant was confirmed in trans with p.F508del in preterm twins with persistent meconium ileus (Puzik A et al. BMC Pediatr, 2014 Jan;14:13). Based on internal structural analysis, this variant is anticipated to result in a significant decrease in structural stability (Atwell S et al. Protein Eng. Des. Sel., 2010 May;23:375-84). This amino acid position is highly conserved in available vertebrate species. In addition, this alteration is predicted to be deleterious by in silico analysis. Based on the majority of available evidence to date, this variant is likely to be pathogenic.

Natera, Inc.
Classification: Uncertain significance for Cystic Fibrosis. Last evaluated: 2020-09-16. Review status: no assertion criteria provided. Collection method: clinical testing. Allele origin: germline. Not counted in ClinVar's aggregate classification.

Counsyl
Classification: Uncertain significance for Cystic fibrosis. Last evaluated: 2018-03-02. Review status: no assertion criteria provided. Collection method: clinical testing. Allele origin: unknown. Not counted in ClinVar's aggregate classification.

Literature cited by the submitters: PubMed 20150177 (cited by Ambry Genetics); PubMed 24433235 (cited by Ambry Genetics and Counsyl); PubMed 22119790 (cited by Counsyl).